The following is an entry in ClinVar:

NM_004304.5(ALK):c.1814A>T (p.Asp605Val)

Gene: ALK (ALK receptor tyrosine kinase; minus strand). Cytogenetic location: 2p23.2.
Variant type: single nucleotide variant.
Coding change: c.1814A>T on transcript NM_004304.5 (MANE Select); coding-DNA position 1814, A replaced by T.
Protein change: p.Asp605Val; replaces aspartic acid 605 with valine.
Molecular consequence: missense variant.
Genome position (GRCh38, 1-based): chr2:29,296,891, T>A on the plus strand (A>T on the coding strand, the complement: ALK is on the minus strand). VCF-style: chr2-29296891-T-A. GRCh37 (hg19) VCF-style: chr2-29519757-T-A.
Other names: short protein forms D605V.
Identifiers: ClinVar variation 3723465 (VCV003723465.2).
Genomic context (GRCh38, chr2:29,296,891, plus strand): 5'-CTTTTTCATTTTAGCTGATAGAGGAGAAGGGTATTGGGGGAGATGCATAGAGCCTACCTG[T>A]CAGACACATCGAGGAGAGGCAACACCATCCACTGCCACAGGCTCAAGCCTTCATAGGCGG-3'
Protein context (NP_004295.2, residues 595-615): WMVLPLLDVS[Asp605Val]RFWLQMVAWW

ClinVar aggregate classification (germline): Uncertain significance (1 of 4 stars; one submission).

Conditions:
Neuroblastoma, susceptibility to, 3. Also called: ALK-Related Neuroblastic Tumor Susceptibility. Identifiers: Orphanet 635, MedGen C2751681, MONDO:0013083, OMIM 613014.

Submission:

Labcorp Genetics (formerly Invitae), Labcorp
Classification: Uncertain significance for Neuroblastoma, susceptibility to, 3. Last evaluated: 2024-10-21. Review status: criteria provided, single submitter. Criteria: Invitae Variant Classification Sherloc (09022015). Collection method: clinical testing. Allele origin: germline.
Comment: This sequence change replaces aspartic acid, which is acidic and polar, with valine, which is neutral and non-polar, at codon 605 of the ALK protein (p.Asp605Val). This variant is not present in population databases (gnomAD no frequency). This variant has not been reported in the literature in individuals affected with ALK-related conditions. An algorithm developed to predict the effect of missense changes on protein structure and function (PolyPhen-2) suggests that this variant is likely to be disruptive. In summary, the available evidence is currently insufficient to determine the role of this variant in disease. Therefore, it has been classified as a Variant of Uncertain Significance.